The following is an entry in ClinVar:

ClinVar aggregate classification (germline): Uncertain significance (1 of 4 stars; one submission).

Conditions:
Inborn genetic diseases. Identifiers: MedGen C0950123, MeSH D030342.

gnomAD v4.1: 2 of 1,613,574 alleles (0.00012%); highest among the groups gnomAD compares: South Asian, 0.0022%; no homozygotes.

Submission:

Ambry Genetics
Classification: Uncertain significance for Inborn genetic diseases. Last evaluated: 2024-11-28. Review status: criteria provided, single submitter. Criteria: Ambry Variant Classification Scheme 2023. Collection method: clinical testing. Allele origin: germline.
Comment: The p.Y400S variant (also known as c.1199A>C), located in coding exon 7 of the ERCC6L2 gene, results from an A to C substitution at nucleotide position 1199. The tyrosine at codon 400 is replaced by serine, an amino acid with dissimilar properties. This amino acid position is conserved. In addition, this alteration is predicted to be deleterious by in silico analysis. Based on the available evidence, the clinical significance of this variant remains unclear.

NM_020207.7(ERCC6L2):c.1199A>C (p.Tyr400Ser)

Gene: ERCC6L2 (ERCC excision repair 6 like 2; plus strand). Cytogenetic location: 9q22.32.
Variant type: single nucleotide variant.
Coding change: c.1199A>C on transcript NM_020207.7 (MANE Select); coding-DNA position 1199, A replaced by C.
Protein change: p.Tyr400Ser; replaces tyrosine 400 with serine.
Molecular consequence: missense variant. On other transcripts: non-coding transcript variant (1).
Genome position (GRCh38, 1-based): chr9:95,921,215, A>C. VCF-style: chr9-95921215-A-C. GRCh37 (hg19) VCF-style: chr9-98683497-A-C.
Other names: c.1199A>C, p.Tyr400Ser (NM_001010895.4, NM_001375291.1, NM_001375292.1 and 2 more transcripts); short protein forms Y400S.
Identifiers: ClinVar variation 3510000 (VCV003510000.1).